The following is an entry in ClinVar:

ClinVar aggregate classification (germline): Uncertain significance (1 of 4 stars; one submission).

Conditions:
Saethre-Chotzen syndrome (SCS). Also called: ACROCEPHALY, SKULL ASYMMETRY, AND MILD SYNDACTYLY; ACS III; CHOTZEN SYNDROME. Identifiers: Orphanet 794, MedGen C0175699, MONDO:0007042, OMIM 101400.
LADD syndrome 1 (LADD1). Also called: Lacrimoauriculodentodigital syndrome 1. Identifiers: MedGen C5774323, MONDO:0100302, OMIM 149730.
Beare-Stevenson cutis gyrata syndrome (BSTVS). Identifiers: Orphanet 1555, MedGen C1852406, MONDO:0007412, OMIM 123790.
Crouzon syndrome. Also called: Craniofacial dysostosis; Craniofacial dysostosis type 1; Crouzon craniofacial dysostosis; Crouzon disease; CRANIOFACIAL DYSOSTOSIS, TYPE I. Identifiers: Orphanet 207, MedGen C0010273, MeSH D003394, MONDO:0007405, OMIM 123500, HP:0004439.
Acrocephalosyndactyly type I (ACS1). Also called: Acrocephalo-syndactyly type 1; ACS 1; Syndactylic oxycephaly; Apert syndrome. Identifiers: Orphanet 87, MedGen C0001193, MONDO:0007041, OMIM 101200.
Gastric cancer. Also called: Stomach cancer; Malignant tumor of stomach. Identifiers: MedGen C0024623, MeSH D013274, MONDO:0001056, OMIM 613659, HP:0012126.
Bent bone dysplasia syndrome 1 (BBDS1). Also called: FGFR2-related bent bone dysplasia. Identifiers: Orphanet 313855, MedGen C3281247, MONDO:0013815, OMIM 614592.
Familial scaphocephaly syndrome, McGillivray type. Also called: SCAPHOCEPHALY, MAXILLARY RETRUSION, AND IMPAIRED INTELLECTUAL DEVELOPMENT. Identifiers: Orphanet 168624, MedGen C1865070, MONDO:0012307, OMIM 609579.
Antley-Bixler syndrome without genital anomalies or disordered steroidogenesis (ABS2). Also called: MULTISYNOSTOTIC OSTEODYSGENESIS WITH LONG BONE FRACTURES; Trapezoidocephaly synostosis syndrome; Osteodysgenesis, multisynostotic with fractures; Antley-Bixler Syndrome, Autosomal Dominant. Identifiers: Orphanet 596008, Orphanet 83, MedGen C2936791, MONDO:0020667, OMIM 207410.
Pfeiffer syndrome (ACS5). Also called: ACS V. Identifiers: Orphanet 710, MedGen C0220658, MONDO:0007043, OMIM 101600.
Jackson-Weiss syndrome (JWS). Also called: CRANIOSYNOSTOSIS, MIDFACIAL HYPOPLASIA, AND FOOT ABNORMALITIES. Identifiers: Orphanet 1540, MedGen C0795998, MONDO:0007400, OMIM 123150. Disease mechanism: loss of function.

Submission:

Juno Genomics, Hangzhou Juno Genomics, Inc
Classification: Uncertain significance for LADD syndrome 1; Familial scaphocephaly syndrome, McGillivray type; Antley-Bixler syndrome without genital anomalies or disordered steroidogenesis; Acrocephalosyndactyly type I; Beare-Stevenson cutis gyrata syndrome; Bent bone dysplasia syndrome 1; Pfeiffer syndrome; Crouzon syndrome; Gastric cancer; Jackson-Weiss syndrome; Saethre-Chotzen syndrome. Review status: criteria provided, single submitter. Criteria: ACMG Guidelines, 2015. Collection method: clinical testing. Allele origin: germline.
Comment: Absent from controls (or at extremely low frequency if recessive) in Genome Aggregation Database.;Missense variant in a gene that has a low rate of benign missense variation.;Multiple lines of computational evidence support a deleterious effect on the gene or gene product.

NM_000141.5(FGFR2):c.553C>T (p.Pro185Ser)

Gene: FGFR2 (fibroblast growth factor receptor 2; minus strand). Cytogenetic location: 10q26.13.
Variant type: single nucleotide variant.
Coding change: c.553C>T on transcript NM_000141.5 (MANE Select); coding-DNA position 553, C replaced by T.
Protein change: p.Pro185Ser; replaces proline 185 with serine.
Molecular consequence: missense variant. On other transcripts: non-coding transcript variant (1).
Genome position (GRCh38, 1-based): chr10:121,551,361, G>A on the plus strand (C>T on the coding strand, the complement: FGFR2 is on the minus strand). VCF-style: chr10-121551361-G-A. GRCh37 (hg19) VCF-style: chr10-123310875-G-A.
Other names: c.286C>T, p.Pro96Ser (NM_001144919.2, NM_001441088.1, NM_001441089.1 and 2 more transcripts); c.553C>T, p.Pro185Ser (NM_001320658.2, NM_001441087.1, NM_022970.4 and 3 more transcripts); c.208C>T, p.Pro70Ser (NM_001441090.1, NM_001441091.1, NM_001144916.2 and 1 more transcripts); short protein forms P70S, P96S, P185S.
Identifiers: ClinVar variation 5007635 (VCV005007635.2).